The following is an entry in ClinVar:

NM_002350.4(LYN):c.762C>T (p.Gly254=)

Gene: LYN (LYN proto-oncogene, Src family tyrosine kinase; plus strand). Cytogenetic location: 8q12.1.
Variant type: single nucleotide variant.
Coding change: c.762C>T on transcript NM_002350.4 (MANE Select); coding-DNA position 762, C replaced by T.
Protein change: p.Gly254=; no amino-acid change (glycine 254 retained).
Molecular consequence: synonymous variant.
Genome position (GRCh38, 1-based): chr8:55,953,956, C>T. VCF-style: chr8-55953956-C-T. GRCh37 (hg19) VCF-style: chr8-56866515-C-T.
Other names: p.Gly254=; c.699C>T, p.Gly233= (NM_001111097.3).
Identifiers: ClinVar variation 785251 (VCV000785251.13), dbSNP rs2227979, ClinGen allele CA4754098.

ClinVar aggregate classification (germline): Benign. Review status: criteria provided, multiple submitters, no conflicts (2 of 4 stars). 3 submissions from 3 submitters: Benign (3). Last evaluated 2026-01-30.

Allele frequency attached by ClinVar (database versions not stated): 1000 Genomes Project 0.01398; gnomAD 0.01429 and 0.01541; ESP Exome Variant Server 0.01484; TOPMed 0.01609; 1000 Genomes Project 30x 0.01640; gnomAD exomes 0.00355; ExAC 0.00438.
gnomAD v4.1: 4,281 of 1,613,974 alleles (0.27%); highest among the groups gnomAD compares: African/African-American, 4.9%; 98 homozygotes.

Submissions (3):

Labcorp Genetics (formerly Invitae), Labcorp
Classification: Benign. Last evaluated: 2026-01-30. Review status: criteria provided, single submitter. Criteria: Invitae Variant Classification Sherloc (09022015). Collection method: clinical testing. Allele origin: germline.

Mayo Clinic Laboratories, Mayo Clinic
Classification: Benign. Last evaluated: 2025-02-25. Review status: criteria provided, single submitter. Criteria: ACMG Guidelines, 2015. Collection method: clinical testing. Allele origin: germline. Observed: 1 variant allele.
Comment: BS1, BS2, BP4, BP7

Breakthrough Genomics
Classification: Benign. Review status: criteria provided, single submitter. Criteria: ACMG Guidelines, 2015. Collection method: not provided. Allele origin: germline. Inheritance: Unknown mechanism. Affected: yes.